The following is an entry in ClinVar:

NM_018026.4(PACS1):c.660+1G>A

Gene: PACS1 (phosphofurin acidic cluster sorting protein 1; plus strand). Cytogenetic location: 11q13.2.
Variant type: single nucleotide variant.
Coding change: c.660+1G>A on transcript NM_018026.4 (MANE Select); the canonical splice donor site of the intron after coding-DNA position 660, G replaced by A.
Molecular consequence: splice donor variant.
Genome position (GRCh38, 1-based): chr11:66,211,260, G>A. VCF-style: chr11-66211260-G-A. GRCh37 (hg19) VCF-style: chr11-65978731-G-A.
Identifiers: ClinVar variation 3361191 (VCV003361191.1).
Genomic context (GRCh38, chr11:66,211,260, plus strand): 5'-AAGAATCGGACCATCTTGGGCTATAAGACCTTGGCCGTGGGACTCATCAACATGGCAGAG[G>A]TGAGAGGAACACAGTCTCCAGACTGTTGGCCTTTGAGTCACAGAGCCCAAGGGACACCCC-3'

ClinVar aggregate classification (germline): Uncertain significance (1 of 4 stars; one submission).

Submission:

GeneDx
Classification: Uncertain significance. Last evaluated: 2023-07-18. Review status: criteria provided, single submitter. Criteria: GeneDx Variant Classification Process June 2021. Collection method: clinical testing. Allele origin: germline. Affected: yes.
Comment: Not observed at significant frequency in large population cohorts (gnomAD); Canonical splice site variant in a gene or region of a gene for which loss of function is not a well-established mechanism of disease; Has not been previously published as pathogenic or benign to our knowledge